The following is an entry in ClinVar:

ClinVar aggregate classification (germline): Uncertain significance (1 of 4 stars; one submission).

Conditions:
Neurofibromatosis, type 1 (NF1). Also called: VON RECKLINGHAUSEN DISEASE; NEUROFIBROMATOSIS, TYPE I, SOMATIC; Peripheral type neurofibromatosis; Neurofibromatosis, type I. Identifiers: Orphanet 636, MedGen C0027831, MONDO:0018975, OMIM 162200. Disease mechanism: loss of function.

Submission:

Labcorp Genetics (formerly Invitae), Labcorp
Classification: Uncertain significance for Neurofibromatosis, type 1. Last evaluated: 2024-10-12. Review status: criteria provided, single submitter. Criteria: Invitae Variant Classification Sherloc (09022015). Collection method: clinical testing. Allele origin: germline.
Comment: This sequence change replaces arginine, which is basic and polar, with leucine, which is neutral and non-polar, at codon 765 of the NF1 protein (p.Arg765Leu). Information on the frequency of this variant in the gnomAD database is not available, as this variant may be reported differently in the database. This variant has not been reported in the literature in individuals affected with NF1-related conditions. An algorithm developed to predict the effect of missense changes on protein structure and function (PolyPhen-2) suggests that this variant is likely to be tolerated. In summary, the available evidence is currently insufficient to determine the role of this variant in disease. Therefore, it has been classified as a Variant of Uncertain Significance.

NM_001042492.3(NF1):c.2294_2295delinsTT (p.Arg765Leu)

Gene: NF1 (neurofibromin 1; plus strand). Cytogenetic location: 17q11.2.
Variant type: Indel.
Coding change: c.2294_2295delinsTT on transcript NM_001042492.3 (MANE Select); coding-DNA positions 2294 to 2295, GC replaced by TT.
Protein change: p.Arg765Leu; replaces arginine 765 with leucine.
Molecular consequence: missense variant.
Genome position (GRCh38, 1-based): chr17:31,227,260-31,227,261, GC replaced by TT. VCF-style: chr17-31227260-GC-TT. GRCh37 (hg19) VCF-style: chr17-29554278-GC-TT.
Other names: c.2294_2295delGCinsTT, p.Arg765Leu (NM_000267.4); short protein forms R765L.
Identifiers: ClinVar variation 3722756 (VCV003722756.2).